The following is an entry in ClinVar:

NM_004333.6(BRAF):c.612G>A (p.Glu204=)

Gene: BRAF (B-Raf proto-oncogene, serine/threonine kinase; minus strand). Cytogenetic location: 7q34.
Variant type: single nucleotide variant.
Coding change: c.612G>A on transcript NM_004333.6 (MANE Select); coding-DNA position 612, G replaced by A.
Protein change: p.Glu204=; no amino-acid change (glutamic acid 204 retained).
Molecular consequence: synonymous variant.
Genome position (GRCh38, 1-based): chr7:140,808,059, C>T on the plus strand (G>A on the coding strand, the complement: BRAF is on the minus strand). VCF-style: chr7-140808059-C-T. GRCh37 (hg19) VCF-style: chr7-140507859-C-T.
Other names: c.612G>A, p.Glu204= (NM_001354609.2, NM_001374244.1, NM_001374258.1 and 4 more transcripts); c.621G>A, p.Glu207= (NM_001378467.1); c.510G>A, p.Glu170= (NM_001378470.1); c.456G>A, p.Glu152= (NM_001378472.1, NM_001378473.1); c.348G>A, p.Glu116= (NM_001378475.1).
Identifiers: ClinVar variation 1098828 (VCV001098828.1), dbSNP rs1202874043, ClinGen allele CA458116790.
Genomic context (GRCh38, chr7:140,808,059, plus strand): 5'-CACATGCAATTCTTCTCCAGTAAGCCAGGAAATATCAGTGTCCCAACCAATTGGTTTCTT[C>T]TCTCTGAAAAATGTAGACACAAGCCTTTCTTGGTTATTACACCTAAAAATATTCATATAC-3'
Protein context (NP_004324.2, residues 194-214): CCAVYRIQDG[Glu204=]KKPIGWDTDI

ClinVar aggregate classification (germline): Likely benign (1 of 4 stars; one submission).

gnomAD v4.1: 2 of 1,609,068 alleles (0.00012%); highest among the groups gnomAD compares: South Asian, 0.0022%; no homozygotes.

Submission:

Women's Health and Genetics/Laboratory Corporation of America, LabCorp
Classification: Likely benign. Last evaluated: 2021-05-02. Review status: criteria provided, single submitter. Criteria: LabCorp Variant Classification Summary - May 2015. Collection method: clinical testing. Allele origin: germline.
Comment: Variant summary: BRAF c.612G>A alters a conserved nucleotide resulting in a synonymous change. 4/4 computational tools predict no significant impact on normal splicing. However, these predictions have yet to be confirmed by functional studies. The variant was absent in 251090 control chromosomes. The available data on variant occurrences in the general population are insufficient to allow any conclusion about variant significance. To our knowledge, no occurrence of c.612G>A in individuals affected with Cardiofaciocutaneous Syndrome and no experimental evidence demonstrating its impact on protein function have been reported. No clinical diagnostic laboratories have submitted clinical-significance assessments for this variant to ClinVar after 2014. Based on the evidence outlined above, the variant was classified as likely benign.